The following is an entry in ClinVar:

NM_002067.5(GNA11):c.256G>A (p.Ala86Thr)

Gene: GNA11 (G protein subunit alpha 11; plus strand). Cytogenetic location: 19p13.3.
Variant type: single nucleotide variant.
Coding change: c.256G>A on transcript NM_002067.5 (MANE Select); coding-DNA position 256, G replaced by A.
Protein change: p.Ala86Thr; replaces alanine 86 with threonine.
Molecular consequence: missense variant.
Genome position (GRCh38, 1-based): chr19:3,110,268, G>A. VCF-style: chr19-3110268-G-A. GRCh37 (hg19) VCF-style: chr19-3110266-G-A.
Other names: short protein forms A86T.
Identifiers: ClinVar variation 4752865 (VCV004752865.1).
Genomic context (GRCh38, chr19:3,110,268, plus strand): 5'-GGCTACTCGGAGGAGGACAAGCGCGGCTTCACCAAGCTCGTCTACCAGAACATCTTCACC[G>A]CCATGCAGGCCATGATCCGGGCCATGGAGACGCTCAAGATCCTCTACAAGTACGAGCAGA-3'
Protein context (NP_002058.2, residues 76-96): TKLVYQNIFT[Ala86Thr]MQAMIRAMET

ClinVar aggregate classification (germline): Uncertain significance (1 of 4 stars; one submission).

gnomAD v4.1: 19 of 1,613,892 alleles (0.0012%); highest among the groups gnomAD compares: Admixed American, 0.0033%; no homozygotes.

Submission:

Labcorp Genetics (formerly Invitae), Labcorp
Classification: Uncertain significance. Last evaluated: 2025-03-12. Review status: criteria provided, single submitter. Criteria: Invitae Variant Classification Sherloc (09022015). Collection method: clinical testing. Allele origin: germline.
Comment: This sequence change replaces alanine, which is neutral and non-polar, with threonine, which is neutral and polar, at codon 86 of the GNA11 protein (p.Ala86Thr). This variant is present in population databases (rs374089777, gnomAD 0.003%). This variant has not been reported in the literature in individuals affected with GNA11-related conditions. Invitae Evidence Modeling of protein sequence and biophysical properties (such as structural, functional, and spatial information, amino acid conservation, physicochemical variation, residue mobility, and thermodynamic stability) indicates that this missense variant is not expected to disrupt GNA11 protein function with a negative predictive value of 80%. In summary, the available evidence is currently insufficient to determine the role of this variant in disease. Therefore, it has been classified as a Variant of Uncertain Significance.